The following is an entry in ClinVar:

NM_001271938.2(MEGF8):c.3260C>T (p.Pro1087Leu)

Gene: MEGF8 (multiple EGF like domains 8; plus strand). Cytogenetic location: 19q13.2.
Variant type: single nucleotide variant.
Coding change: c.3260C>T on transcript NM_001271938.2 (MANE Select); coding-DNA position 3260, C replaced by T.
Protein change: p.Pro1087Leu; replaces proline 1087 with leucine.
Molecular consequence: missense variant.
Genome position (GRCh38, 1-based): chr19:42,352,366, C>T. VCF-style: chr19-42352366-C-T. GRCh37 (hg19) VCF-style: chr19-42856518-C-T.
Other names: c.3059C>T, p.Pro1020Leu (NM_001410.3); short protein forms P1020L, P1087L.
Identifiers: ClinVar variation 561155 (VCV000561155.2), dbSNP rs781096678, ClinGen allele CA9474937.
Genomic context (GRCh38, chr19:42,352,366, plus strand): 5'-GGGCATACGCCCGCTGTCCTGACGTGGATGAGTGTCGCCTGGGCCTGGCCCGGTGCCACC[C>T]GCGGGCGACCTGCCTGAACACGCCCCTCAGCTACGAGTGTCACTGCCAGCGGGGCTACCA-3'
Protein context (NP_001258867.1, residues 1077-1097): ECRLGLARCH[Pro1087Leu]RATCLNTPLS

ClinVar aggregate classification (germline): Uncertain significance (1 of 4 stars; one submission).

Conditions:
MEGF8-related Carpenter syndrome. Also called: Carpenter syndrome 2. Identifiers: Orphanet 65759, MedGen C3554247, MONDO:0013998, OMIM 614976.

Allele frequency attached by ClinVar (database versions not stated): gnomAD 0.00003; gnomAD exomes 0.00002; ExAC 0.00003.
gnomAD v4.1: 37 of 1,588,250 alleles (0.0023%); highest among the groups gnomAD compares: African/African-American, 0.004%; no homozygotes.

Submission:

Baylor Genetics
Classification: Uncertain significance for MEGF8-related Carpenter syndrome. Last evaluated: 2017-09-01. Review status: criteria provided, single submitter. Criteria: ACMG Guidelines, 2015. Collection method: clinical testing. Allele origin: germline. Inheritance: Autosomal recessive inheritance. Affected: yes.
Comment: Heterozygotes would be expected to be asymptomatic carriers.

Literature cited by the submitters: PubMed 25326635.